The following is an entry in ClinVar:

NM_000236.3(LIPC):c.1052-10C>G

Gene: LIPC (lipase C, hepatic type; plus strand). Cytogenetic location: 15q21.3.
Variant type: single nucleotide variant.
Coding change: c.1052-10C>G on transcript NM_000236.3 (MANE Select); 10 bases into the intron before coding-DNA position 1052, C replaced by G.
Molecular consequence: intron variant.
Genome position (GRCh38, 1-based): chr15:58,560,854, C>G. VCF-style: chr15-58560854-C-G. GRCh37 (hg19) VCF-style: chr15-58853053-C-G.
Identifiers: ClinVar variation 316671 (VCV000316671.14), dbSNP rs58453124, ClinGen allele CA7585105.

ClinVar aggregate classification (germline): Benign/Likely benign. Review status: criteria provided, multiple submitters, no conflicts (2 of 4 stars). 3 submissions from 3 submitters: Benign (1); Likely benign (2). Last evaluated 2026-01-21.

Conditions:
Hyperlipidemia due to hepatic triglyceride lipase deficiency. Also called: LIPC DEFICIENCY. Identifiers: Orphanet 140905, MedGen C3151466, MONDO:0013533, OMIM 614025.

Allele frequency attached by ClinVar (database versions not stated): gnomAD exomes 0.00043; ExAC 0.00065; ESP Exome Variant Server 0.00162; 1000 Genomes Project 30x 0.00172; 1000 Genomes Project 0.00180; gnomAD 0.00186 and 0.00202; TOPMed 0.00230.
gnomAD v4.1: 460 of 938,302 alleles (0.049%); highest among the groups gnomAD compares: African/African-American, 0.67%; 1 homozygote.

Submissions (4):

Labcorp Genetics (formerly Invitae), Labcorp
Classification: Benign. Last evaluated: 2026-01-21. Review status: criteria provided, single submitter. Criteria: Invitae Variant Classification Sherloc (09022015). Collection method: clinical testing. Allele origin: germline.

Blueprint Genetics
Classification: Likely benign. Last evaluated: 2024-11-26. Review status: criteria provided, single submitter. Criteria: ACMG Guidelines, 2015. Collection method: clinical testing. Allele origin: germline.

Illumina Laboratory Services, Illumina
Classification: Likely benign for Hyperlipidemia due to hepatic triglyceride lipase deficiency. Last evaluated: 2018-01-13. Review status: criteria provided, single submitter. Criteria: ICSL Variant Classification Criteria 13 December 2019. Collection method: clinical testing. Allele origin: germline.
Comment: This variant was observed in the ICSL laboratory as part of a predisposition screen in an ostensibly healthy population. It had not been previously curated by ICSL or reported in the Human Gene Mutation Database (HGMD: prior to June 1st, 2018), and was therefore a candidate for classification through an automated scoring system. Utilizing variant allele frequency, disease prevalence and penetrance estimates, and inheritance mode, an automated score was calculated to assess if this variant is too frequent to cause the disease. Based on the score and internal cut-off values, a variant classified as likely benign is not then subjected to further curation. The score for this variant resulted in a classification of likely benign for this disease.

Dr. Peter K. Rogan Lab, Western University
No classification provided (evidence only). Condition: Uterine corpus endometrial carcinoma. Review status: no classification provided. Collection method: in vitro. Allele origin: not applicable. Functional consequence: retained intron. Not counted in ClinVar's aggregate classification.